The following is an entry in ClinVar:

NM_000135.4(FANCA):c.190-1G>C

Gene: FANCA (FA complementation group A; minus strand). Cytogenetic location: 16q24.3.
Variant type: single nucleotide variant.
Coding change: c.190-1G>C on transcript NM_000135.4 (MANE Select); the canonical splice acceptor site of the intron before coding-DNA position 190, G replaced by C.
Molecular consequence: splice acceptor variant.
Genome position (GRCh38, 1-based): chr16:89,814,614, C>G on the plus strand (G>C on the coding strand, the complement: FANCA is on the minus strand). VCF-style: chr16-89814614-C-G. GRCh37 (hg19) VCF-style: chr16-89881022-C-G.
Other names: c.190-1G>C (NM_001286167.3, NM_001351830.2, NM_001018112.3).
Identifiers: ClinVar variation 973981 (VCV000973981.2), dbSNP rs765277254, ClinGen allele CA8253121.

ClinVar aggregate classification (germline): Pathogenic. Review status: criteria provided, single submitter (1 of 4 stars). 2 submissions from 2 submitters: Pathogenic (1). 1 of the submissions does not count toward it. Last evaluated 2023-06-03.

Conditions:
Fanconi anemia complementation group A (FANCA). Also called: Fanconi anemia, group A; FANCA-Related Fanconi Anemia. Identifiers: Orphanet 84, MedGen C3469521, MONDO:0009215, OMIM 227650.

Allele frequency attached by ClinVar (database versions not stated): gnomAD exomes below 0.00001; ExAC 0.00001; gnomAD 0.00001.
gnomAD v4.1: 1 of 1,610,992 alleles (0.000062%); highest among the groups gnomAD compares: Non-Finnish European, 0.000085%; no homozygotes.

Submissions (2):

Baylor Genetics
Classification: Pathogenic for Fanconi anemia complementation group A. Last evaluated: 2023-06-03. Review status: criteria provided, single submitter. Criteria: ACMG Guidelines, 2015. Collection method: clinical testing. Allele origin: unknown.

Leiden Open Variation Database
Classification: Pathogenic for Fanconi anemia complementation group A. Last evaluated: 2020-02-28. Review status: no assertion criteria provided. Collection method: curation. Allele origin: germline. Affected: yes. Not counted in ClinVar's aggregate classification.
Comment: Curator: Arleen D. Auerbach. Submitter to LOVD: Arleen D. Auerbach.